The following is an entry in ClinVar:

NM_001370466.1(NOD2):c.631A>G (p.Ser211Gly)

Gene: NOD2 (nucleotide binding oligomerization domain containing 2; plus strand). Cytogenetic location: 16q12.1.
Variant type: single nucleotide variant.
Coding change: c.631A>G on transcript NM_001370466.1 (MANE Select); coding-DNA position 631, A replaced by G.
Protein change: p.Ser211Gly; replaces serine 211 with glycine.
Molecular consequence: missense variant. On other transcripts: non-coding transcript variant (1).
Genome position (GRCh38, 1-based): chr16:50,710,623, A>G. VCF-style: chr16-50710623-A-G. GRCh37 (hg19) VCF-style: chr16-50744534-A-G.
Other names: c.631A>G, p.Ser211Gly (NM_001293557.2); c.712A>G, p.Ser238Gly (NM_022162.3); short protein forms S238G, S211G.
Identifiers: ClinVar variation 961890 (VCV000961890.10), dbSNP rs1001861018, ClinGen allele CA281261395.

ClinVar aggregate classification (germline): Uncertain significance (1 of 4 stars; one submission).

Conditions:
Regional enteritis. Also called: Enteritis, Granulomatous. Identifiers: MedGen C0678202, MeSH D003424.
Blau syndrome (BLAUS). Also called: GRANULOMATOSIS, FAMILIAL JUVENILE SYSTEMIC; GRANULOMATOSIS, FAMILIAL, BLAU TYPE; GRANULOMATOUS INFLAMMATORY ARTHRITIS, DERMATITIS, AND UVEITIS, FAMILIAL; JABS SYNDROME; ARTHROCUTANEOUVEAL GRANULOMATOSIS. Identifiers: Orphanet 90340, MedGen C5201146, MONDO:0008523, OMIM 186580.

Allele frequency attached by ClinVar (database versions not stated): gnomAD 0.00003 and 0.00004; TOPMed 0.00005.
gnomAD v4.1: 5 of 1,614,076 alleles (0.00031%); highest among the groups gnomAD compares: African/African-American, 0.0067%; no homozygotes.

Submission:

Labcorp Genetics (formerly Invitae), Labcorp
Classification: Uncertain significance for Regional enteritis; Blau syndrome. Last evaluated: 2022-06-20. Review status: criteria provided, single submitter. Criteria: Invitae Variant Classification Sherloc (09022015). Collection method: clinical testing. Allele origin: germline.
Comment: Advanced modeling of protein sequence and biophysical properties (such as structural, functional, and spatial information, amino acid conservation, physicochemical variation, residue mobility, and thermodynamic stability) performed at Invitae indicates that this missense variant is not expected to disrupt NOD2 protein function. In summary, the available evidence is currently insufficient to determine the role of this variant in disease. Therefore, it has been classified as a Variant of Uncertain Significance. This variant is present in population databases (no rsID available, gnomAD 0.02%). This sequence change replaces serine, which is neutral and polar, with glycine, which is neutral and non-polar, at codon 238 of the NOD2 protein (p.Ser238Gly). This variant has not been reported in the literature in individuals affected with NOD2-related conditions. ClinVar contains an entry for this variant (Variation ID: 961890).